The following is an entry in ClinVar:

NM_004380.3(CREBBP):c.2429_2433dup (p.Gln812fs)

Gene: CREBBP (CREB binding lysine acetyltransferase; minus strand). Cytogenetic location: 16p13.3.
Variant type: Duplication.
Coding change: c.2429_2433dup on transcript NM_004380.3 (MANE Select); coding-DNA positions 2429 to 2433, 5 bases duplicated (TGGGG; older notation c.2429_2433dupTGGGG).
Protein change: p.Gln812fs; shifts the reading frame from glutamine 812.
Molecular consequence: frameshift variant.
Genome position (GRCh38, 1-based): chr16:3,773,781-3,773,785, CCCCA duplicated on the plus strand (TGGGG on the coding strand, the reverse complement: CREBBP is on the minus strand). VCF-style (leftmost placement, unchanged base first): chr16-3773780-G-GCCCCA. GRCh37 (hg19) VCF-style: chr16-3823781-G-GCCCCA.
Other names: c.2315_2319dup, p.Gln774fs (NM_001079846.1); short protein forms Q774fs, Q812fs.
Identifiers: ClinVar variation 4856310 (VCV004856310.1).

ClinVar aggregate classification (germline): Likely pathogenic (1 of 4 stars; one submission).

Conditions:
Rubinstein-Taybi syndrome due to CREBBP mutations (RSTS1). Also called: BROAD THUMB-HALLUX SYNDROME; RUBINSTEIN SYNDROME; Rubinstein-Taybi syndrome 1; RUBINSTEIN-TAYBI SYNDROME 1, INCOMPLETE; BROAD THUMBS AND GREAT TOES, CHARACTERISTIC FACIES, AND IMPAIRED INTELLECTUAL DEVELOPMENT; CREBBP-Related Rubinstein-Taybi Syndrome. Identifiers: Orphanet 353277, Orphanet 783, MedGen C4551859, MONDO:0008393, OMIM 180849.

Submission:

3billion
Classification: Likely pathogenic for Rubinstein-Taybi syndrome due to CREBBP mutations. Last evaluated: 2025-06-02. Review status: criteria provided, single submitter. Criteria: ACMG Guidelines, 2015. Collection method: clinical testing. Allele origin: germline. Affected: yes.
Comment: The variant is not observed in the gnomAD v4.1.0 dataset. Predicted Consequence/Location: Frameshift: predicted to result in a loss or disruption of normal protein function through nonsense-mediated decay (NMD) or protein truncation. Multiple pathogenic variants are reported downstream of the variant. Therefore, this variant is classified as Likely pathogenic according to the recommendation of ACMG/AMP guideline.